The following is an entry in ClinVar:

ClinVar aggregate classification (germline): Conflicting classifications of pathogenicity. Review status: criteria provided, conflicting classifications (1 of 4 stars). 5 submissions from 5 submitters: Pathogenic (1); Likely pathogenic (3); Uncertain significance (1). Last evaluated 2024-09-20.

Conditions:
Heme oxygenase 1 deficiency (HMOX1D). Identifiers: Orphanet 562509, MedGen C1841651, MONDO:0013536, OMIM 614034.
HMOX1-related disorders.
Chronic obstructive pulmonary disease. Also called: Chronic pulmonary obstruction. Identifiers: MedGen C0024117, MeSH D029424, MONDO:0005002, OMIM 606963, HP:0006510.

Allele frequency attached by ClinVar (database versions not stated): ExAC 0.00004; gnomAD 0.00005 and 0.00006; gnomAD exomes 0.00005; TOPMed 0.00005; ESP Exome Variant Server 0.00015.

Submissions (5):

Blueprint Genetics
Classification: Likely pathogenic for HMOX1-related disorders. Last evaluated: 2024-09-20. Review status: criteria provided, single submitter. Criteria: ACMG Guidelines, 2015. Collection method: clinical testing. Allele origin: germline. Affected: yes. Observed: 3 variant alleles.

Labcorp Genetics (formerly Invitae), Labcorp
Classification: Pathogenic. Last evaluated: 2024-07-01. Review status: criteria provided, single submitter. Criteria: Invitae Variant Classification Sherloc (09022015). Collection method: clinical testing. Allele origin: germline.
Comment: This sequence change creates a premature translational stop signal (p.Trp96*) in the HMOX1 gene. It is expected to result in an absent or disrupted protein product. Loss-of-function variants in HMOX1 are known to be pathogenic (PMID: 9884342, 21088618). This variant is present in population databases (rs137932222, gnomAD 0.006%). This variant has not been reported in the literature in individuals affected with HMOX1-related conditions. ClinVar contains an entry for this variant (Variation ID: 1318566). For these reasons, this variant has been classified as Pathogenic.

Fulgent Genetics
Classification: Likely pathogenic for Chronic obstructive pulmonary disease; Heme oxygenase 1 deficiency. Last evaluated: 2024-06-19. Review status: criteria provided, single submitter. Criteria: ACMG Guidelines, 2015. Collection method: clinical testing. Allele origin: germline.

Revvity Omics, Revvity
Classification: Likely pathogenic for Heme oxygenase 1 deficiency. Last evaluated: 2019-11-18. Review status: criteria provided, single submitter. Criteria: ACMG Guidelines, 2015. Collection method: clinical testing. Allele origin: germline.

GeneDx
Classification: Uncertain significance. Last evaluated: 2019-10-30. Review status: criteria provided, single submitter. Criteria: GeneDx Variant Classification Process June 2021. Collection method: clinical testing. Allele origin: germline. Affected: yes.
Comment: Nonsense variant predicted to result in protein truncation or nonsense mediated decay in a gene for which loss-of-function is not a known mechanism of disease; Has not been previously published as pathogenic or benign to our knowledge

Literature cited by the submitters: PubMed 9884342 (cited by Labcorp Genetics (formerly Invitae), Labcorp); PubMed 21088618 (cited by Labcorp Genetics (formerly Invitae), Labcorp).

NM_002133.3(HMOX1):c.287G>A (p.Trp96Ter)

Gene: HMOX1 (heme oxygenase 1; plus strand). Cytogenetic location: 22q12.3.
Variant type: single nucleotide variant.
Coding change: c.287G>A on transcript NM_002133.3 (MANE Select); coding-DNA position 287, G replaced by A.
Protein change: p.Trp96Ter; replaces tryptophan 96 with a stop codon.
Molecular consequence: nonsense.
Genome position (GRCh38, 1-based): chr22:35,386,827, G>A. VCF-style: chr22-35386827-G-A. GRCh37 (hg19) VCF-style: chr22-35782820-G-A.
Other names: short protein forms W96*.
Identifiers: ClinVar variation 1318566 (VCV001318566.12), dbSNP rs137932222, ClinGen allele CA10204681.